The following is an entry in ClinVar:

NM_004035.7(ACOX1):c.269+10C>T

Gene: ACOX1 (acyl-CoA oxidase 1; minus strand). Cytogenetic location: 17q25.1.
Variant type: single nucleotide variant.
Coding change: c.269+10C>T on transcript NM_004035.7 (MANE Select); 10 bases into the intron after coding-DNA position 269, C replaced by T.
Molecular consequence: intron variant.
Genome position (GRCh38, 1-based): chr17:75,978,524, G>A on the plus strand (C>T on the coding strand, the complement: ACOX1 is on the minus strand). VCF-style: chr17-75978524-G-A. GRCh37 (hg19) VCF-style: chr17-73974605-G-A.
Other names: c.269+10C>T (NM_007292.6); c.155+10C>T (NM_001185039.2).
Identifiers: ClinVar variation 2849754 (VCV002849754.3), dbSNP rs2066080735, ClinGen allele CA2275775751.

ClinVar aggregate classification (germline): Uncertain significance (1 of 4 stars; one submission).

Conditions:
Acyl-CoA oxidase deficiency. Also called: Pseudoneonatal adrenoleukodystrophy; Peroxisomal acyl-CoA oxidase deficiency; STRAIGHT-CHAIN ACYL-CoA OXIDASE DEFICIENCY. Identifiers: Orphanet 2971, MedGen C1849678, MONDO:0009919, OMIM 264470. Disease mechanism: loss of function.

Allele frequency attached by ClinVar (database versions not stated): TOPMed below 0.00001.

Submission:

Labcorp Genetics (formerly Invitae), Labcorp
Classification: Uncertain significance for Acyl-CoA oxidase deficiency. Last evaluated: 2023-06-25. Review status: criteria provided, single submitter. Criteria: Invitae Variant Classification Sherloc (09022015). Collection method: clinical testing. Allele origin: germline.
Comment: In summary, the available evidence is currently insufficient to determine the role of this variant in disease. Therefore, it has been classified as a Variant of Uncertain Significance. Algorithms developed to predict the effect of sequence changes on RNA splicing suggest that this variant may create or strengthen a splice site. This variant has not been reported in the literature in individuals affected with ACOX1-related conditions. This variant is not present in population databases (gnomAD no frequency). This sequence change falls in intron 2 of the ACOX1 gene. It does not directly change the encoded amino acid sequence of the ACOX1 protein.